The following is an entry in ClinVar:

NM_001007553.3(CSDE1):c.1019C>T (p.Thr340Ile)

Gene: CSDE1 (cold shock domain containing E1; minus strand). Cytogenetic location: 1p13.2.
Variant type: single nucleotide variant.
Coding change: c.1019C>T on transcript NM_001007553.3 (MANE Select); coding-DNA position 1019, C replaced by T.
Protein change: p.Thr340Ile; replaces threonine 340 with isoleucine.
Molecular consequence: missense variant.
Genome position (GRCh38, 1-based): chr1:114,732,635, G>A on the plus strand (C>T on the coding strand, the complement: CSDE1 is on the minus strand). VCF-style: chr1-114732635-G-A. GRCh37 (hg19) VCF-style: chr1-115275256-G-A.
Other names: c.1064C>T, p.Thr355Ile (NM_001130523.3); c.1157C>T, p.Thr386Ile (NM_001242891.2); c.1019C>T, p.Thr340Ile (NM_001242892.2); c.926C>T, p.Thr309Ile (NM_001242893.2, NM_007158.6); short protein forms T309I, T340I, T355I, T386I.
Identifiers: ClinVar variation 3365768 (VCV003365768.1).
Genomic context (GRCh38, chr1:114,732,635, plus strand): 5'-ATACATATCCAGTAATATCCAACACTTACCATTTCTCGGGCTTCATTAGTGAACTGAAAT[G>A]TATTTGACAGAACTTCTATATTGGTTGCTCGCTCTAATTTGTCACGTCGGTCTGTTGAAA-3'
Protein context (NP_001007554.1, residues 330-350): RATNIEVLSN[Thr340Ile]FQFTNEAREM

ClinVar aggregate classification (germline): Uncertain significance (1 of 4 stars; one submission).

Submission:

GeneDx
Classification: Uncertain significance. Last evaluated: 2023-12-16. Review status: criteria provided, single submitter. Criteria: GeneDx Variant Classification Process June 2021. Collection method: clinical testing. Allele origin: germline. Affected: yes.
Comment: Not observed at significant frequency in large population cohorts (gnomAD); In silico analysis supports that this missense variant has a deleterious effect on protein structure/function; Has not been previously published as pathogenic or benign to our knowledge